The following is an entry in ClinVar:

ClinVar aggregate classification (germline): Likely benign (0 of 4 stars; one submission).

Conditions:
AUTS2-related disorder. Also called: AUTS2-related condition.

gnomAD v4.1: 1 of 1,572,972 alleles (0.000064%); highest among the groups gnomAD compares: Non-Finnish European, 0.000086%; no homozygotes.

Submission:

PreventionGenetics, part of Exact Sciences
Classification: Likely benign for AUTS2-related condition. Last evaluated: 2023-02-04. Review status: no assertion criteria provided. Collection method: clinical testing. Allele origin: germline.
Comment: This variant is classified as likely benign based on ACMG/AMP sequence variant interpretation guidelines (Richards et al. 2015 PMID: 25741868, with internal and published modifications).

NM_015570.4(AUTS2):c.1203C>A (p.Leu401=)

Gene: AUTS2 (activator of transcription and developmental regulator AUTS2; plus strand). Cytogenetic location: 7q11.22.
Variant type: single nucleotide variant.
Coding change: c.1203C>A on transcript NM_015570.4 (MANE Select); coding-DNA position 1203, C replaced by A.
Protein change: p.Leu401=; no amino-acid change (leucine 401 retained).
Molecular consequence: synonymous variant.
Genome position (GRCh38, 1-based): chr7:70,763,330, C>A. VCF-style: chr7-70763330-C-A. GRCh37 (hg19) VCF-style: chr7-70228316-C-A.
Other names: c.1203C>A, p.Leu401= (NM_001127231.3).
Identifiers: ClinVar variation 3045132 (VCV003045132.2), dbSNP rs1386353444, ClinGen allele CA455800914.